The following is an entry in ClinVar:

NM_001323289.2(CDKL5):c.428T>A (p.Ile143Asn)

Gene: CDKL5 (cyclin dependent kinase like 5; plus strand). Cytogenetic location: Xp22.13.
Variant type: single nucleotide variant.
Coding change: c.428T>A on transcript NM_001323289.2 (MANE Select); coding-DNA position 428, T replaced by A.
Protein change: p.Ile143Asn; replaces isoleucine 143 with asparagine.
Molecular consequence: missense variant.
Genome position (GRCh38, 1-based): chrX:18,581,915, T>A. VCF-style: chrX-18581915-T-A. GRCh37 (hg19) VCF-style: chrX-18600035-T-A.
Other names: NM_003159.3:c.428T>A; c.428T>A, p.Ile143Asn (NM_001037343.2, NM_003159.3); short protein forms I143N.
Identifiers: ClinVar variation 3344015 (VCV003344015.1).

ClinVar aggregate classification (germline): Uncertain significance (1 of 4 stars; one submission).

Conditions:
CDKL5 disorder. Identifiers: MedGen CN296942, MONDO:0100039.

Submission:

Centre for Population Genomics, CPG
Classification: Uncertain significance for CDKL5 disorder. Last evaluated: 2024-07-17. Review status: criteria provided, single submitter. Criteria: McKnight et al. (Hum Mutat. 2022). Collection method: curation. Allele origin: germline. Inheritance: X-linked inheritance.
Comment: This variant has been collected from RettBASE and curated to current modified ACMG/AMP criteria. Based on the classification scheme defined by the ClinGen Rett/Angelman-like Expert Panel for Rett/AS-like Disorders Specifications to the ACMG/AMP Variant Interpretation Guidelines VCEP 3.0, this variant is classified as variant of uncertain significance. At least the following criteria are met: Computational prediction analysis tools suggests a deleterious impact (REVEL score>= 0.75) (PP3). This variant is absent from gnomAD (PM2_Supporting).